The following is an entry in ClinVar:

ClinVar aggregate classification (germline): Uncertain significance (1 of 4 stars; one submission).

Conditions:
Neuroblastoma, susceptibility to, 3. Also called: ALK-Related Neuroblastic Tumor Susceptibility. Identifiers: Orphanet 635, MedGen C2751681, MONDO:0013083, OMIM 613014.

Submission:

Labcorp Genetics (formerly Invitae), Labcorp
Classification: Uncertain significance for Neuroblastoma, susceptibility to, 3. Last evaluated: 2022-11-13. Review status: criteria provided, single submitter. Criteria: Invitae Variant Classification Sherloc (09022015). Collection method: clinical testing. Allele origin: germline.
Comment: This sequence change creates a premature translational stop signal (p.Cys701Valfs*69) in the ALK gene. It is expected to result in an absent or disrupted protein product. However, the current clinical and genetic evidence is not sufficient to establish whether loss-of-function variants in ALK cause disease. This variant is not present in population databases (gnomAD no frequency). This variant has not been reported in the literature in individuals affected with ALK-related conditions. Experimental studies and prediction algorithms are not available or were not evaluated, and the functional significance of this variant is currently unknown. In summary, the available evidence is currently insufficient to determine the role of this variant in disease. Therefore, it has been classified as a Variant of Uncertain Significance.

NM_004304.5(ALK):c.2099dup (p.Cys701fs)

Gene: ALK (ALK receptor tyrosine kinase; minus strand). Cytogenetic location: 2p23.2.
Variant type: Duplication.
Coding change: c.2099dup on transcript NM_004304.5 (MANE Select); coding-DNA position 2099, one base duplicated (A; older notation c.2099dupA).
Protein change: p.Cys701fs; shifts the reading frame from cysteine 701.
Molecular consequence: frameshift variant.
Genome position (GRCh38, 1-based): chr2:29,251,210, T duplicated on the plus strand (A on the coding strand, the reverse complement: ALK is on the minus strand). VCF-style (leftmost placement, unchanged base first): chr2-29251209-C-CT. GRCh37 (hg19) VCF-style: chr2-29474075-C-CT.
Other names: short protein forms C701fs.
Identifiers: ClinVar variation 2814040 (VCV002814040.3), dbSNP rs2465291101, ClinGen allele CA2739274307.